The following is an entry in ClinVar:

NM_003919.3(SGCE):c.662+2T>A

Genes: CASD1 (CAS1 domain sialic acid O acetyltransferase 1; plus strand), SGCE (sarcoglycan epsilon; minus strand). Cytogenetic location: 7q21.3.
Variant type: single nucleotide variant.
Coding change: c.662+2T>A on transcript NM_003919.3 (MANE Select); the canonical splice donor site of the intron after coding-DNA position 662, T replaced by A.
Molecular consequence: splice donor variant.
Genome position (GRCh38, 1-based): chr7:94,618,756, A>T on the plus strand (T>A on the coding strand, the complement: SGCE is on the minus strand). VCF-style: chr7-94618756-A-T. GRCh37 (hg19) VCF-style: chr7-94248068-A-T.
Other names: c.575+2T>A (NM_001362807.2, NM_001346719.2); c.389+2T>A (NM_001362808.2, NM_001346720.2); c.539+2T>A (NM_001362809.2, NM_001301139.2); c.662+2T>A (NM_001346717.2, NM_001099400.2, NM_001099401.2); c.770+2T>A (NM_001346715.2, NM_001346713.2).
Identifiers: ClinVar variation 1503913 (VCV001503913.8), dbSNP rs2116880438, ClinGen allele CA368234941.

ClinVar aggregate classification (germline): Likely pathogenic (1 of 4 stars; one submission).

Conditions:
Myoclonic dystonia 11 (DYT11). Also called: DYT-SGCE; Myoclonic dystonia; Dystonia 11; Dystonia, alcohol responsive; Hereditary essential myoclonus; SGCE Myoclonus-Dystonia. Identifiers: Orphanet 36899, MedGen C1834570, MONDO:0008044, OMIM 159900.

Submission:

Labcorp Genetics (formerly Invitae), Labcorp
Classification: Likely pathogenic for Myoclonic dystonia 11. Last evaluated: 2024-04-01. Review status: criteria provided, single submitter. Criteria: Invitae Variant Classification Sherloc (09022015). Collection method: clinical testing. Allele origin: germline.
Comment: This sequence change affects a donor splice site in intron 5 of the SGCE gene. It is expected to disrupt RNA splicing. Variants that disrupt the donor or acceptor splice site typically lead to a loss of protein function (PMID: 16199547), and loss-of-function variants in SGCE are known to be pathogenic (PMID: 12821748, 15389977, 17853490, 24297365). This variant is not present in population databases (gnomAD no frequency). This variant has not been reported in the literature in individuals affected with SGCE-related conditions. ClinVar contains an entry for this variant (Variation ID: 1503913). Algorithms developed to predict the effect of sequence changes on RNA splicing suggest that this variant may disrupt the consensus splice site. In summary, the currently available evidence indicates that the variant is pathogenic, but additional data are needed to prove that conclusively. Therefore, this variant has been classified as Likely Pathogenic.

Literature cited by the submitters: PubMed 16199547; PubMed 12821748; PubMed 15389977; PubMed 17853490; PubMed 24297365.